The following is an entry in ClinVar:

NM_013318.4(PRRC2B):c.4397A>G (p.Lys1466Arg)

Gene: PRRC2B (proline rich coiled-coil 2B; plus strand). Cytogenetic location: 9q34.13.
Variant type: single nucleotide variant.
Coding change: c.4397A>G on transcript NM_013318.4 (MANE Select); coding-DNA position 4397, A replaced by G.
Protein change: p.Lys1466Arg; replaces lysine 1466 with arginine.
Molecular consequence: missense variant. On other transcripts: intron variant (1).
Genome position (GRCh38, 1-based): chr9:131,476,526, A>G. VCF-style: chr9-131476526-A-G. GRCh37 (hg19) VCF-style: chr9-134351913-A-G.
Other names: c.4397A>G, p.Lys1466Arg (NM_001384818.1, NM_001384821.1, NM_001384822.1); c.2325-1218A>G (NM_001384823.1); short protein forms K1466R.
Identifiers: ClinVar variation 2659631 (VCV002659631.24), dbSNP rs2538932233, ClinGen allele CA375296297.
Genomic context (GRCh38, chr9:131,476,526, plus strand): 5'-GGCCAGGTGGTGGTGACACCTCCCCTCGCTATGAGAGCCAACAGAATGGGACGCCTTTGA[A>G]AGTGAAAAGGTAAAACCAGACACCATCTGGGCCCTTTTTGTTGTTGTGTTCTGTTCTCAG-3'
Protein context (NP_037450.2, residues 1456-1476): YESQQNGTPL[Lys1466Arg]VKRSPDEALP

ClinVar aggregate classification (germline): Uncertain significance (1 of 4 stars; one submission).

Submission:

CeGaT Center for Human Genetics Tuebingen
Classification: Uncertain significance. Last evaluated: 2022-03-01. Review status: criteria provided, single submitter. Criteria: CeGaT Center For Human Genetics Tuebingen Variant Classification Criteria Version 2. Collection method: clinical testing. Allele origin: germline. Affected: yes. Observed: 1 variant allele.
Comment: PRRC2B: PM2, BP4